The following is an entry in ClinVar:

ClinVar aggregate classification (germline): Uncertain significance (1 of 4 stars; one submission).

Allele frequency attached by ClinVar (database versions not stated): gnomAD 0.00005 and 0.00003; gnomAD exomes 0.00002; ExAC 0.00003; TOPMed 0.00005; ESP Exome Variant Server 0.00009.
gnomAD v4.1: 131 of 1,209,869 alleles (0.011%); highest among the groups gnomAD compares: Non-Finnish European, 0.014%; no homozygotes.

Submission:

GeneDx
Classification: Uncertain significance. Last evaluated: 2016-01-13. Review status: criteria provided, single submitter. Criteria: GeneDx Variant Classification (06012015). Collection method: clinical testing. Allele origin: germline. Affected: yes.
Comment: The Phe338Ile missense change has not been published as a pathogenic variant, nor has it been reported as a benign polymorphism to our knowledge. The amino acid substitution is conservative, as Phenylalanine and Isoleucine are both uncharged, non-polar amino acid residues. However, it alters a position in the SRPX2 protein that is highly conserved across species, and multiple in silico algorithms predict Phe338Ile is damaging to protein structure/function. Given the available evidence, we interpret Phe338Ile as a variant of uncertain significance.

NM_014467.3(SRPX2):c.1012T>A (p.Phe338Ile)

Gene: SRPX2 (sushi repeat containing protein X-linked 2; plus strand). Cytogenetic location: Xq22.1.
Variant type: single nucleotide variant.
Coding change: c.1012T>A on transcript NM_014467.3 (MANE Select); coding-DNA position 1012, T replaced by A.
Protein change: p.Phe338Ile; replaces phenylalanine 338 with isoleucine.
Molecular consequence: missense variant.
Genome position (GRCh38, 1-based): chrX:100,667,324, T>A. VCF-style: chrX-100667324-T-A. GRCh37 (hg19) VCF-style: chrX-99922321-T-A.
Other names: short protein forms F338I.
Identifiers: ClinVar variation 279903 (VCV000279903.2), dbSNP rs147566410, ClinGen allele CA10469622.
Genomic context (GRCh38, chrX:100,667,324, plus strand): 5'-TCTGCCCTAGCTATGAAGATTAACGTCAACGTCAACTCAGCTGCTGGTCTCTTGGATCAA[T>A]TCTATGAGAAACAGCGACTCCTCATCATCTCAGCTCCTGATCCTTCCAACCGATATTATA-3'
Protein context (NP_055282.1, residues 328-348): VNSAAGLLDQ[Phe338Ile]YEKQRLLIIS